The following is an entry in ClinVar:

NM_000426.4(LAMA2):c.7147C>T (p.Arg2383Ter)

Gene: LAMA2 (laminin subunit alpha 2; plus strand). Cytogenetic location: 6q22.33.
Variant type: single nucleotide variant.
Coding change: c.7147C>T on transcript NM_000426.4 (MANE Select); coding-DNA position 7147, C replaced by T.
Protein change: p.Arg2383Ter; replaces arginine 2383 with a stop codon.
Molecular consequence: nonsense.
Genome position (GRCh38, 1-based): chr6:129,464,444, C>T. VCF-style: chr6-129464444-C-T. GRCh37 (hg19) VCF-style: chr6-129785589-C-T.
Other names: c.7147C>T, p.Arg2383Ter (NM_001079823.2); short protein forms R2383*.
Identifiers: ClinVar variation 14300 (VCV000014300.25), dbSNP rs121913576, ClinGen allele CA123851.
Genomic context (GRCh38, chr6:129,464,444, plus strand): 5'-ACTGTCATGTTCAAGTTCAGAACATTTTCTTCGAGTGCTCTTCTGATGTATCTTGCCACA[C>T]GAGACCTGGTAAAGATCATATGCATAGCAGAGTTTCCGTGACTAAAATGCGTTTGCTTCT-3'

ClinVar aggregate classification (germline): Pathogenic. Review status: criteria provided, multiple submitters, no conflicts (2 of 4 stars). 11 submissions from 11 submitters: Pathogenic (9). 2 of the submissions do not count toward it. Last evaluated 2026-04-22.

Conditions:
LAMA2-related disorder. Also called: LAMA2-related disorders; LAMA2-related condition.
Muscular dystrophy, limb-girdle, autosomal recessive 23. Identifiers: Orphanet 565837, MedGen C4748327, MONDO:0029136, OMIM 618138.
Merosin deficient congenital muscular dystrophy (MDC1A). Also called: Congenital Muscular Dystrophy Type 1A (MDC1A); Congenital merosin-deficient muscular dystrophy 1A. Identifiers: Orphanet 258, MedGen C1263858, MONDO:0011925, OMIM 607855.
LAMA2-related muscular dystrophy (LAMA2-RD). Also called: Laminin alpha 2-related dystrophy. Identifiers: MedGen C5679788, MONDO:0100228.
Congenital muscular dystrophy due to partial LAMA2 deficiency. Identifiers: MedGen C1842898.

Allele frequency attached by ClinVar (database versions not stated): TOPMed 0.00001.
gnomAD v4.1: 13 of 1,611,592 alleles (0.00081%); highest among the groups gnomAD compares: East Asian, 0.0045%; no homozygotes.

Submissions (11):

PreventionGenetics, part of Exact Sciences
Classification: Pathogenic for LAMA2-related condition. Last evaluated: 2026-04-22. Review status: criteria provided, single submitter. Criteria: ACMG Guidelines, 2015. Collection method: clinical testing. Allele origin: germline.
Comment: The LAMA2 c.7147C>T variant is predicted to result in premature protein termination (p.Arg2383*). This variant has been reported in the homozygous state or in the compound heterozygous state in multiple individuals with LAMA2-related muscular dystrophy (He et al. 2013. PubMed ID: 24223650; Supplemental Tables, Tan et al. 2021. PubMed ID: 34281576; Zha et al. 2025. PubMed ID: 41567540). This variant is reported in 0.0065% of alleles in individuals of South Asian descent in gnomAD and is classified as pathogenic in ClinVar (Variation ID: 14300). Nonsense variants in LAMA2 are expected to be pathogenic. This variant is interpreted as pathogenic.

Labcorp Genetics (formerly Invitae), Labcorp
Classification: Pathogenic for LAMA2-related muscular dystrophy. Last evaluated: 2025-11-19. Review status: criteria provided, single submitter. Criteria: Invitae Variant Classification Sherloc (09022015). Collection method: clinical testing. Allele origin: germline.
Comment: This sequence change creates a premature translational stop signal (p.Arg2383*) in the LAMA2 gene. It is expected to result in an absent or disrupted protein product. Loss-of-function variants in LAMA2 are known to be pathogenic (PMID: 18700894, 32904964). This variant is present in population databases (rs121913576, gnomAD 0.007%). This premature translational stop signal has been observed in individual(s) with congenital muscular dystrophy (PMID: 11071490, 24223650, 24611677, 30055037). In at least one individual the data is consistent with being in trans (on the opposite chromosome) from a pathogenic variant. ClinVar contains an entry for this variant (Variation ID: 14300). For these reasons, this variant has been classified as Pathogenic.

Fulgent Genetics
Classification: Pathogenic for Merosin deficient congenital muscular dystrophy; Muscular dystrophy, limb-girdle, autosomal recessive 23. Last evaluated: 2024-01-03. Review status: criteria provided, single submitter. Criteria: ACMG Guidelines, 2015. Collection method: clinical testing. Allele origin: germline.

Baylor Genetics
Classification: Pathogenic for Merosin deficient congenital muscular dystrophy. Last evaluated: 2023-12-27. Review status: criteria provided, single submitter. Criteria: ACMG Guidelines, 2015. Collection method: clinical testing. Allele origin: unknown.

Department of Pathology and Laboratory Medicine, Sinai Health System
Classification: Pathogenic for Merosin deficient congenital muscular dystrophy. Last evaluated: 2023-09-29. Review status: criteria provided, single submitter. Criteria: ACMG Guidelines, 2015. Collection method: research. Allele origin: germline.

Variantyx, Inc.
Classification: Pathogenic for LAMA2-related disorders. Last evaluated: 2022-11-04. Review status: criteria provided, single submitter. Criteria: Variantyx Assertion Criteria 2022. Collection method: clinical testing. Allele origin: germline. Inheritance: Autosomal recessive inheritance.
Comment: This is a nonsense variant in the LAMA2 gene (OMIM 156225). Biallelic pathogenic variants in this gene have been associated with autosomal recessive LAMA2-related disorders. This variant introduces a premature termination codon in exon 50 out of 65. It is expected to result in loss of function, which is a known disease mechanism for LAMA2 (PMID: 18700894) (PVS1) This variant has been reported in the homozygous or compound heterozygous state in multiple affected individuals (PMID: 11071490, 24223650, 24611677, 30055037) (PM3). This variant has a 0.006533% maximum allele frequency in non-founder control populations, which is lower than expected for the prevalence of LAMA2-related disorders (PM2_Supporting). Based on the current evidence, this variant is classified as pathogenic for autosomal recessive LAMA2-related disorders.

MGZ Medical Genetics Center
Classification: Pathogenic for Merosin deficient congenital muscular dystrophy. Last evaluated: 2022-07-26. Review status: criteria provided, single submitter. Criteria: ACMG Guidelines, 2015. Collection method: clinical testing. Allele origin: germline. Affected: yes. Observed: 3 variant alleles.
Comment: ACMG criteria applied: PVS1, PS4_MOD, PM3, PM2_SUP

Eurofins Ntd Llc (ga)
Classification: Pathogenic. Last evaluated: 2013-02-27. Review status: criteria provided, single submitter. Criteria: EGL Classification Definitions. Collection method: clinical testing. Allele origin: germline. Observed: 5 variant alleles, 4 heterozygotes, 1 homozygote.

Juno Genomics, Hangzhou Juno Genomics, Inc
Classification: Pathogenic for Merosin deficient congenital muscular dystrophy; Muscular dystrophy, limb-girdle, autosomal recessive 23. Review status: criteria provided, single submitter. Criteria: ACMG Guidelines, 2015. Collection method: clinical testing. Allele origin: germline. Affected: yes.
Comment: Absent from controls (or at extremely low frequency if recessive) in Genome Aggregation Database, Exome Sequencing Project, 1000 Genomes Project, or Exome Aggregation Consortium.;Null variant in a gene where loss of function (LOF) is a known mechanism of disease.;For recessive disorders, detected in trans with a pathogenic variant.;Patient's phenotype or family history is highly specific for a disease with a single genetic etiology.

Counsyl
Classification: Pathogenic for Merosin deficient congenital muscular dystrophy. Last evaluated: 2017-05-25. Review status: no assertion criteria provided. Collection method: clinical testing. Allele origin: unknown. Not counted in ClinVar's aggregate classification.

OMIM
Classification: Pathogenic for MUSCULAR DYSTROPHY, CONGENITAL, DUE TO PARTIAL LAMA2 DEFICIENCY. Last evaluated: 2000-10-24. Review status: no assertion criteria provided. Collection method: literature only. Allele origin: germline. Not counted in ClinVar's aggregate classification.

Literature cited by the submitters: PubMed 18700894 (cited by Labcorp Genetics (formerly Invitae), Labcorp and Variantyx, Inc.); PubMed 32904964 (cited by Labcorp Genetics (formerly Invitae), Labcorp); PubMed 11071490 (cited by 3 submitters); PubMed 24223650 (cited by 3 submitters); PubMed 24611677 (cited by 3 submitters); PubMed 30055037 (cited by Labcorp Genetics (formerly Invitae), Labcorp and Variantyx, Inc.).